The following is an entry in ClinVar:

NM_001127222.2(CACNA1A):c.3553+1G>A

Gene: CACNA1A (calcium voltage-gated channel subunit alpha1 A; minus strand). Cytogenetic location: 19p13.13.
Variant type: single nucleotide variant.
Coding change: c.3553+1G>A on transcript NM_001127222.2 (MANE Select); the canonical splice donor site of the intron after coding-DNA position 3553, G replaced by A.
Molecular consequence: splice donor variant.
Genome position (GRCh38, 1-based): chr19:13,286,502, C>T on the plus strand (G>A on the coding strand, the complement: CACNA1A is on the minus strand). VCF-style: chr19-13286502-C-T. GRCh37 (hg19) VCF-style: chr19-13397316-C-T.
Other names: c.3556+1G>A (NM_001127221.2, NM_001174080.2); c.3565+1G>A (NM_000068.4, NM_023035.3).
Identifiers: ClinVar variation 3757656 (VCV003757656.2).

ClinVar aggregate classification (germline): Likely pathogenic (1 of 4 stars; one submission).

Conditions:
Episodic ataxia type 2 (EA2). Also called: ATAXIA, EPISODIC, WITH NYSTAGMUS; ATAXIA, FAMILIAL PAROXYSMAL; ACETAZOLAMIDE-RESPONSIVE HEREDITARY PAROXYSMAL CEREBELLAR ATAXIA; CEREBELLAR ATAXIA, PAROXYSMAL, ACETAZOLAMIDE-RESPONSIVE; CEREBELLOPATHY, HEREDITARY PAROXYSMAL; EPISODIC ATAXIA, NYSTAGMUS-ASSOCIATED. Identifiers: Orphanet 97, MedGen C1720416, MONDO:0007163, OMIM 108500.
Developmental and epileptic encephalopathy, 42 (DEE42A). Also called: Epileptic encephalopathy, early infantile, 42; DEVELOPMENTAL AND EPILEPTIC ENCEPHALOPATHY 42A; EPILEPTIC ENCEPHALOPATHY, EARLY INFANTILE, 42A. Identifiers: MedGen C4310716, MONDO:0014917, OMIM 617106.

Submission:

Labcorp Genetics (formerly Invitae), Labcorp
Classification: Likely pathogenic for Developmental and epileptic encephalopathy, 42; Episodic ataxia type 2. Last evaluated: 2024-08-13. Review status: criteria provided, single submitter. Criteria: Invitae Variant Classification Sherloc (09022015). Collection method: clinical testing. Allele origin: germline.
Comment: This sequence change affects a donor splice site in intron 20 of the CACNA1A gene. It is expected to disrupt RNA splicing. Variants that disrupt the donor or acceptor splice site typically lead to a loss of protein function (PMID: 16199547), and loss-of-function variants in CACNA1A are known to be pathogenic (PMID: 10371528, 19486177, 25735478, 27250579). This variant is not present in population databases (gnomAD no frequency). This variant has not been reported in the literature in individuals affected with CACNA1A-related conditions. Algorithms developed to predict the effect of sequence changes on RNA splicing suggest that this variant may disrupt the consensus splice site. In summary, the currently available evidence indicates that the variant is pathogenic, but additional data are needed to prove that conclusively. Therefore, this variant has been classified as Likely Pathogenic.

Literature cited by the submitters: PubMed 16199547; PubMed 10371528; PubMed 19486177; PubMed 25735478; PubMed 27250579.